The following is an entry in ClinVar:

ClinVar aggregate classification (germline): Uncertain significance (1 of 4 stars; one submission).

Conditions:
Inborn genetic diseases. Identifiers: MedGen C0950123, MeSH D030342.

gnomAD v4.1: 1 of 1,579,970 alleles (0.000063%); highest among the groups gnomAD compares: Non-Finnish European, 0.000087%; no homozygotes.

Submission:

Ambry Genetics
Classification: Uncertain significance for Inborn genetic diseases. Last evaluated: 2024-10-14. Review status: criteria provided, single submitter. Criteria: Ambry Variant Classification Scheme 2023. Collection method: clinical testing. Allele origin: germline.
Comment: The p.D242E variant (also known as c.726C>G), located in coding exon 5 of the SMAD2 gene, results from a C to G substitution at nucleotide position 726. The aspartic acid at codon 242 is replaced by glutamic acid, an amino acid with highly similar properties. This amino acid position is conserved. In addition, the in silico prediction for this alteration is inconclusive. Based on the available evidence, the clinical significance of this variant remains unclear.

NM_005901.6(SMAD2):c.726C>G (p.Asp242Glu)

Gene: SMAD2 (SMAD family member 2; minus strand). Cytogenetic location: 18q21.1.
Variant type: single nucleotide variant.
Coding change: c.726C>G on transcript NM_005901.6 (MANE Select); coding-DNA position 726, C replaced by G.
Protein change: p.Asp242Glu; replaces aspartic acid 242 with glutamic acid.
Molecular consequence: missense variant.
Genome position (GRCh38, 1-based): chr18:47,865,063, G>C on the plus strand (C>G on the coding strand, the complement: SMAD2 is on the minus strand). VCF-style: chr18-47865063-G-C. GRCh37 (hg19) VCF-style: chr18-45391434-G-C.
Other names: c.726C>G, p.Asp242Glu (NM_001003652.4); c.636C>G, p.Asp212Glu (NM_001135937.3); short protein forms D212E, D242E.
Identifiers: ClinVar variation 3445794 (VCV003445794.1).